The following is an entry in ClinVar:

NM_001394372.1(BICRA):c.2949G>A (p.Pro983=)

Gene: BICRA (BRD4 interacting chromatin remodeling complex associated protein; plus strand). Cytogenetic location: 19q13.33.
Variant type: single nucleotide variant.
Coding change: c.2949G>A on transcript NM_001394372.1 (MANE Select); coding-DNA position 2949, G replaced by A.
Protein change: p.Pro983=; no amino-acid change (proline 983 retained).
Molecular consequence: synonymous variant.
Genome position (GRCh38, 1-based): chr19:47,694,953, G>A. VCF-style: chr19-47694953-G-A. GRCh37 (hg19) VCF-style: chr19-48198210-G-A.
Other names: c.2949G>A, p.Pro983= (NM_015711.3).
Identifiers: ClinVar variation 3257636 (VCV003257636.18).

ClinVar aggregate classification (germline): Likely benign. Review status: criteria provided, multiple submitters, no conflicts (2 of 4 stars). 2 submissions from 2 submitters: Likely benign (2). Last evaluated 2024-09-17.

gnomAD v4.1: 17 of 1,545,240 alleles (0.0011%); highest among the groups gnomAD compares: Middle Eastern, 0.017%; no homozygotes.

Submissions (2):

Blueprint Genetics
Classification: Likely benign. Last evaluated: 2024-09-17. Review status: criteria provided, single submitter. Criteria: ACMG Guidelines, 2015. Collection method: clinical testing. Allele origin: germline.

CeGaT Center for Human Genetics Tuebingen
Classification: Likely benign. Last evaluated: 2024-07-01. Review status: criteria provided, single submitter. Criteria: CeGaT Center For Human Genetics Tuebingen Variant Classification Criteria Version 2. Collection method: clinical testing. Allele origin: germline. Affected: yes. Observed: 1 variant allele.
Comment: BICRA: BP4, BP7